The following is an entry in ClinVar:

ClinVar aggregate classification (germline): Uncertain significance. Review status: criteria provided, multiple submitters, no conflicts (2 of 4 stars). 3 submissions from 3 submitters: Uncertain significance (3). Last evaluated 2023-12-13.

Conditions:
Generalized epilepsy with febrile seizures plus, type 9 (GEFSP9). Also called: GEFS+, TYPE 9. Identifiers: Orphanet 36387, MedGen C4015395, MONDO:0014517, OMIM 616172.

Allele frequency attached by ClinVar (database versions not stated): TOPMed below 0.00001; gnomAD exomes 0.00001.
gnomAD v4.1: 6 of 1,614,112 alleles (0.00037%); highest among the groups gnomAD compares: South Asian, 0.0011%; no homozygotes.

Submissions (3):

GeneDx
Classification: Uncertain significance. Last evaluated: 2023-12-13. Review status: criteria provided, single submitter. Criteria: GeneDx Variant Classification Process June 2021. Collection method: clinical testing. Allele origin: germline. Affected: yes.
Comment: Not observed at significant frequency in large population cohorts (gnomAD); In silico analysis supports that this missense variant has a deleterious effect on protein structure/function; This variant is associated with the following publications: (PMID: 30737342)

Labcorp Genetics (formerly Invitae), Labcorp
Classification: Uncertain significance for Generalized epilepsy with febrile seizures plus, type 9. Last evaluated: 2023-02-16. Review status: criteria provided, single submitter. Criteria: Invitae Variant Classification Sherloc (09022015). Collection method: clinical testing. Allele origin: germline.
Comment: ClinVar contains an entry for this variant (Variation ID: 1003246). In summary, the available evidence is currently insufficient to determine the role of this variant in disease. Therefore, it has been classified as a Variant of Uncertain Significance. Advanced modeling of protein sequence and biophysical properties (such as structural, functional, and spatial information, amino acid conservation, physicochemical variation, residue mobility, and thermodynamic stability) performed at Invitae indicates that this missense variant is expected to disrupt STX1B protein function. This missense change has been observed in individual(s) with epilepsy (PMID: 30737342). This variant is not present in population databases (gnomAD no frequency). This sequence change replaces glutamic acid, which is acidic and polar, with lysine, which is basic and polar, at codon 210 of the STX1B protein (p.Glu210Lys).

CeGaT Center for Human Genetics Tuebingen
Classification: Uncertain significance. Last evaluated: 2022-01-01. Review status: criteria provided, single submitter. Criteria: CeGaT Center For Human Genetics Tuebingen Variant Classification Criteria Version 2. Collection method: clinical testing. Allele origin: germline. Affected: yes. Observed: 1 variant allele.

Literature cited by the submitters: PubMed 30737342 (cited by Labcorp Genetics (formerly Invitae), Labcorp).

NM_052874.5(STX1B):c.628G>A (p.Glu210Lys)

Gene: STX1B (syntaxin 1B; minus strand). Cytogenetic location: 16p11.2.
Variant type: single nucleotide variant.
Coding change: c.628G>A on transcript NM_052874.5 (MANE Select); coding-DNA position 628, G replaced by A.
Protein change: p.Glu210Lys; replaces glutamic acid 210 with lysine.
Molecular consequence: missense variant.
Genome position (GRCh38, 1-based): chr16:30,993,394, C>T on the plus strand (G>A on the coding strand, the complement: STX1B is on the minus strand). VCF-style: chr16-30993394-C-T. GRCh37 (hg19) VCF-style: chr16-31004715-C-T.
Other names: c.628G>A (NM_052874.3); short protein forms E210K.
Identifiers: ClinVar variation 1003246 (VCV001003246.40), dbSNP rs2056573886, ClinGen allele CA395647241.